The following is an entry in ClinVar:

NM_004168.4(SDHA):c.590G>A (p.Gly197Asp)

Gene: SDHA (succinate dehydrogenase complex flavoprotein subunit A; plus strand). Cytogenetic location: 5p15.33.
Variant type: single nucleotide variant.
Coding change: c.590G>A on transcript NM_004168.4 (MANE Select); coding-DNA position 590, G replaced by A.
Protein change: p.Gly197Asp; replaces glycine 197 with aspartic acid.
Molecular consequence: missense variant.
Genome position (GRCh38, 1-based): chr5:226,016, G>A. VCF-style: chr5-226016-G-A. GRCh37 (hg19) VCF-style: chr5-226131-G-A.
Other names: c.446G>A, p.Gly149Asp (NM_001294332.2); c.590G>A, p.Gly197Asp (NM_001330758.2); short protein forms G149D, G197D.
Identifiers: ClinVar variation 643326 (VCV000643326.9), dbSNP rs1579386052, ClinGen allele CA359010560.

ClinVar aggregate classification (germline): Uncertain significance (1 of 4 stars; one submission).

Conditions:
Pheochromocytoma/paraganglioma syndrome 5. Also called: Paragangliomas 5; SDHA-Related Hereditary Paraganglioma-Pheochromocytoma Syndrome. Identifiers: Orphanet 29072, MedGen C3279992, MONDO:0013602, OMIM 614165.
Mitochondrial complex II deficiency, nuclear type 1. Also called: SUCCINATE CoQ REDUCTASE DEFICIENCY. Identifiers: Orphanet 3208, MedGen C5700310, MONDO:0100294, OMIM 252011.

Submission:

Labcorp Genetics (formerly Invitae), Labcorp
Classification: Uncertain significance for Pheochromocytoma/paraganglioma syndrome 5; Mitochondrial complex II deficiency, nuclear type 1. Last evaluated: 2018-11-15. Review status: criteria provided, single submitter. Criteria: Invitae Variant Classification Sherloc (09022015). Collection method: clinical testing. Allele origin: germline.
Comment: Algorithms developed to predict the effect of missense changes on protein structure and function (SIFT, PolyPhen-2, Align-GVGD) all suggest that this variant is likely to be disruptive, but these predictions have not been confirmed by published functional studies and their clinical significance is uncertain. In summary, the available evidence is currently insufficient to determine the role of this variant in disease. Therefore, it has been classified as a Variant of Uncertain Significance. This variant has not been reported in the literature in individuals with SDHA-related disease. This variant is not present in population databases (ExAC no frequency). This sequence change replaces glycine with aspartic acid at codon 197 of the SDHA protein (p.Gly197Asp). The glycine residue is highly conserved and there is a moderate physicochemical difference between glycine and aspartic acid.